The following is an entry in ClinVar:

ClinVar aggregate classification (germline): Uncertain significance (1 of 4 stars; one submission).

Conditions:
Hereditary pulmonary alveolar proteinosis. Also called: Pulmonary surfactant metabolism dysfunction. Identifiers: Orphanet 264675, MedGen C3711368, MONDO:0012580.

Submission:

Ambry Genetics
Classification: Uncertain significance for Hereditary pulmonary alveolar proteinosis. Last evaluated: 2026-07-20. Review status: criteria provided, single submitter. Criteria: Ambry Variant Classification Scheme 2023. Collection method: clinical testing. Allele origin: germline.
Comment: The c.1742-10T>A intronic variant results from a T to A substitution 10 nucleotides upstream from coding exon 12 in the ABCA3 gene. This variant has been identified in the homozygous state and/or in conjunction with other ABCA3 variant(s) in individual(s) with features consistent with ABCA3-related pulmonary surfactant metabolism dysfunction (Wambach JA et al. Am J Respir Crit Care Med, 2014 Jun;189:1538-43; Ambry internal data). This nucleotide position is well conserved in available vertebrate species. In silico splice site analysis predicts that this alteration will weaken the native splice acceptor site and will result in the creation or strengthening of a novel splice acceptor site. Based on the available evidence, the clinical significance of this variant remains unclear.

Literature cited by the submitters: PubMed 24871971.

NM_001089.3(ABCA3):c.1742-10T>A

Gene: ABCA3 (ATP binding cassette subfamily A member 3; minus strand). Cytogenetic location: 16p13.3.
Variant type: single nucleotide variant.
Coding change: c.1742-10T>A on transcript NM_001089.3 (MANE Select); 10 bases into the intron before coding-DNA position 1742, T replaced by A.
Molecular consequence: intron variant.
Genome position (GRCh38, 1-based): chr16:2,298,550, A>T on the plus strand (T>A on the coding strand, the complement: ABCA3 is on the minus strand). VCF-style: chr16-2298550-A-T. GRCh37 (hg19) VCF-style: chr16-2348551-A-T.
Identifiers: ClinVar variation 1779213 (VCV001779213.3), dbSNP rs2505642592, ClinGen allele CA2580091121.